The following is an entry in ClinVar:

ClinVar aggregate classification (germline): Uncertain significance (1 of 4 stars; one submission).

Submission:

GeneDx
Classification: Uncertain significance. Last evaluated: 2023-10-12. Review status: criteria provided, single submitter. Criteria: GeneDx Variant Classification Process June 2021. Collection method: clinical testing. Allele origin: germline. Affected: yes.
Comment: Not observed at significant frequency in large population cohorts (gnomAD); In silico analysis supports that this missense variant has a deleterious effect on protein structure/function; Has not been previously published as pathogenic or benign to our knowledge

NM_020719.3(PRR12):c.359C>T (p.Thr120Ile)

Gene: PRR12 (proline rich 12; plus strand). Cytogenetic location: 19q13.33.
Variant type: single nucleotide variant.
Coding change: c.359C>T on transcript NM_020719.3 (MANE Select); coding-DNA position 359, C replaced by T.
Protein change: p.Thr120Ile; replaces threonine 120 with isoleucine.
Molecular consequence: missense variant.
Genome position (GRCh38, 1-based): chr19:49,594,613, C>T. VCF-style: chr19-49594613-C-T. GRCh37 (hg19) VCF-style: chr19-50097870-C-T.
Other names: short protein forms T120I.
Identifiers: ClinVar variation 3252124 (VCV003252124.1), dbSNP rs1292323470.